The following is an entry in ClinVar:

NM_005068.3(SIM1):c.1240A>T (p.Thr414Ser)

Genes: SIM1 (SIM bHLH transcription factor 1; minus strand), SIM1-AS1 (SIM1 antisense RNA 1; plus strand). Cytogenetic location: 6q16.3.
Variant type: single nucleotide variant.
Coding change: c.1240A>T on transcript NM_005068.3 (MANE Select); coding-DNA position 1240, A replaced by T.
Protein change: p.Thr414Ser; replaces threonine 414 with serine.
Molecular consequence: missense variant. On other transcripts: non-coding transcript variant (1).
Genome position (GRCh38, 1-based): chr6:100,393,817, T>A on the plus strand (A>T on the coding strand, the complement: SIM1 is on the minus strand). VCF-style: chr6-100393817-T-A. GRCh37 (hg19) VCF-style: chr6-100841693-T-A.
Other names: c.1240A>T, p.Thr414Ser (NM_001374769.1); short protein forms T414S.
Identifiers: ClinVar variation 3162281 (VCV003162281.3), dbSNP rs578076640, ClinGen allele CA3937074.

ClinVar aggregate classification (germline): Uncertain significance. Review status: criteria provided, multiple submitters, no conflicts (2 of 4 stars). 2 submissions from 2 submitters: Uncertain significance (2). Last evaluated 2026-09-15.

Conditions:
SIM1-related disorder. Also called: SIM1-related disorders; SIM1-related condition.
Inborn genetic diseases. Identifiers: MedGen C0950123, MeSH D030342.

Allele frequency attached by ClinVar (database versions not stated): ExAC 0.00001; 1000 Genomes Project 30x 0.00016; 1000 Genomes Project 0.00020; TOPMed 0.00020.
gnomAD v4.1: 17 of 1,612,658 alleles (0.0011%); highest among the groups gnomAD compares: Admixed American, 0.023%; no homozygotes.

Submissions (2):

PreventionGenetics, part of Exact Sciences
Classification: Uncertain significance for SIM1-related condition. Last evaluated: 2026-09-15. Review status: criteria provided, single submitter. Criteria: ACMG Guidelines, 2015. Collection method: clinical testing. Allele origin: germline.
Comment: The SIM1 c.1240A>T variant is predicted to result in the amino acid substitution p.Thr414Ser. To our knowledge, this variant has not been reported in the literature. This variant is reported in 0.0057% of alleles in individuals of Latino descent in gnomAD. At this time, the clinical significance of this variant is uncertain due to the absence of conclusive functional and genetic evidence.

Ambry Genetics
Classification: Uncertain significance for Inborn genetic diseases. Last evaluated: 2024-01-19. Review status: criteria provided, single submitter. Criteria: Ambry Variant Classification Scheme 2023. Collection method: clinical testing. Allele origin: germline.